The following is an entry in ClinVar:

NM_001371986.1(UNC80):c.7338G>T (p.Lys2446Asn)

Gene: UNC80 (unc-80 subunit of NALCN channel complex; plus strand). Cytogenetic location: 2q34.
Variant type: single nucleotide variant.
Coding change: c.7338G>T on transcript NM_001371986.1 (MANE Select); coding-DNA position 7338, G replaced by T.
Protein change: p.Lys2446Asn; replaces lysine 2446 with asparagine.
Molecular consequence: missense variant.
Genome position (GRCh38, 1-based): chr2:209,954,151, G>T. VCF-style: chr2-209954151-G-T. GRCh37 (hg19) VCF-style: chr2-210818875-G-T.
Other names: c.7140G>T, p.Lys2380Asn (NM_032504.2); c.7125G>T, p.Lys2375Asn (NM_182587.4); short protein forms K2380N, K2446N, K2375N.
Identifiers: ClinVar variation 1490201 (VCV001490201.6), dbSNP rs2124994476, ClinGen allele CA350775332.
Genomic context (GRCh38, chr2:209,954,151, plus strand): 5'-CGCTTAAAGTCTTCAGATGCTGATGGTCTTAGAAGCCTTAGTTCCATGTTACCTACAAAA[G>T]CTAAAGAGGCAGACATCACAGGTGGAGACAGTACCTGCTGCCCGAGAGGAGATTGCGGCC-3'
Protein context (NP_001358915.1, residues 2436-2456): LEALVPCYLQ[Lys2446Asn]LKRQTSQVET

ClinVar aggregate classification (germline): Uncertain significance (1 of 4 stars; one submission).

Submission:

Labcorp Genetics (formerly Invitae), Labcorp
Classification: Uncertain significance. Last evaluated: 2020-12-10. Review status: criteria provided, single submitter. Criteria: Invitae Variant Classification Sherloc (09022015). Collection method: clinical testing. Allele origin: germline.
Comment: Algorithms developed to predict the effect of missense changes on protein structure and function are either unavailable or do not agree on the potential impact of this missense change (SIFT: "Not Available"; PolyPhen-2: "Benign"; Align-GVGD: "Not Available"). In summary, the available evidence is currently insufficient to determine the role of this variant in disease. Therefore, it has been classified as a Variant of Uncertain Significance. This sequence change replaces lysine with asparagine at codon 2380 of the UNC80 protein (p.Lys2380Asn). The lysine residue is moderately conserved and there is a moderate physicochemical difference between lysine and asparagine. This variant is not present in population databases (ExAC no frequency). This variant has not been reported in the literature in individuals with UNC80-related conditions.